The following is an entry in ClinVar:

ClinVar aggregate classification (germline): Benign (1 of 4 stars; one submission).

Conditions:
Neuroblastoma (NB). Identifiers: Orphanet 635, MedGen C0027819, MeSH D009447, MONDO:0005072, HP:0003006.

Allele frequency attached by ClinVar (database versions not stated): gnomAD 0.00026 and 0.00078; gnomAD exomes 0.00042; TOPMed 0.00042; 1000 Genomes Project 0.00339; 1000 Genomes Project 30x 0.00344.
gnomAD v4.1: 129 of 180,980 alleles (0.071%); highest among the groups gnomAD compares: South Asian, 1.5%; 2 homozygotes.

Submission:

Illumina Laboratory Services, Illumina
Classification: Benign for Neuroblastoma. Last evaluated: 2018-01-13. Review status: criteria provided, single submitter. Criteria: ICSL Variant Classification Criteria 13 December 2019. Collection method: clinical testing. Allele origin: germline.
Comment: This variant was observed in the ICSL laboratory as part of a predisposition screen in an ostensibly healthy population. It had not been previously curated by ICSL or reported in the Human Gene Mutation Database (HGMD: prior to June 1st, 2018), and was therefore a candidate for classification through an automated scoring system. Utilizing variant allele frequency, disease prevalence and penetrance estimates, and inheritance mode, an automated score was calculated to assess if this variant is too frequent to cause the disease. Based on the score and internal cut-off values, a variant classified as benign is not then subjected to further curation. The score for this variant resulted in a classification of benign for this disease.

NM_001365951.3(KIF1B):c.*3948G>A

Gene: KIF1B (kinesin family member 1B; plus strand). Cytogenetic location: 1p36.22.
Variant type: single nucleotide variant.
Coding change: c.*3948G>A on transcript NM_001365951.3 (MANE Select); 3948 bases downstream of the stop codon, G replaced by A.
Molecular consequence: 3 prime UTR variant.
Genome position (GRCh38, 1-based): chr1:10,380,535, G>A. VCF-style: chr1-10380535-G-A. GRCh37 (hg19) VCF-style: chr1-10440593-G-A.
Other names: c.*3948G>A (NM_001365952.1, NM_015074.3).
Identifiers: ClinVar variation 291654 (VCV000291654.5), dbSNP rs553404052, ClinGen allele CA10607251.